The following is an entry in ClinVar:

ClinVar aggregate classification (germline): Uncertain significance (1 of 4 stars; one submission).

Conditions:
Hereditary spastic paraplegia 11. Also called: SPASTIC PARAPLEGIA, AUTOSOMAL RECESSIVE, COMPLICATED, WITH THIN CORPUS CALLOSUM; SPASTIC PARAPLEGIA, AUTOSOMAL RECESSIVE, WITH MENTAL IMPAIRMENT AND THIN CORPUS CALLOSUM; Spastic paraplegia, mental retardation and thin corpus callosum; Nakamura Osame syndrome; Autosomal recessive hereditary spastic paraplegia, mental impairment, and thin corpus callosum; Spastic Paraplegia 11. Identifiers: Orphanet 2822, MedGen C1858479, MONDO:0011445, OMIM 604360.

Allele frequency attached by ClinVar (database versions not stated): gnomAD exomes below 0.00001.
gnomAD v4.1: 5 of 1,614,036 alleles (0.00031%); highest among the groups gnomAD compares: Non-Finnish European, 0.00034%; no homozygotes.

Submission:

Labcorp Genetics (formerly Invitae), Labcorp
Classification: Uncertain significance for Hereditary spastic paraplegia 11. Last evaluated: 2022-05-27. Review status: criteria provided, single submitter. Criteria: Invitae Variant Classification Sherloc (09022015). Collection method: clinical testing. Allele origin: germline.
Comment: This sequence change replaces glutamic acid, which is acidic and polar, with aspartic acid, which is acidic and polar, at codon 581 of the SPG11 protein (p.Glu581Asp). This variant is not present in population databases (gnomAD no frequency). This variant has not been reported in the literature in individuals affected with SPG11-related conditions. Algorithms developed to predict the effect of missense changes on protein structure and function are either unavailable or do not agree on the potential impact of this missense change (SIFT: "Tolerated"; PolyPhen-2: "Possibly Damaging"; Align-GVGD: "Class C0"). In summary, the available evidence is currently insufficient to determine the role of this variant in disease. Therefore, it has been classified as a Variant of Uncertain Significance.

NM_025137.4(SPG11):c.1743A>C (p.Glu581Asp)

Gene: SPG11 (SPG11 vesicle trafficking associated, spatacsin; minus strand). Cytogenetic location: 15q21.1.
Variant type: single nucleotide variant.
Coding change: c.1743A>C on transcript NM_025137.4 (MANE Select); coding-DNA position 1743, A replaced by C.
Protein change: p.Glu581Asp; replaces glutamic acid 581 with aspartic acid.
Molecular consequence: missense variant.
Genome position (GRCh38, 1-based): chr15:44,629,381, T>G on the plus strand (A>C on the coding strand, the complement: SPG11 is on the minus strand). VCF-style: chr15-44629381-T-G. GRCh37 (hg19) VCF-style: chr15-44921579-T-G.
Other names: c.1743A>C, p.Glu581Asp (NM_001160227.2); short protein forms E581D.
Identifiers: ClinVar variation 1498233 (VCV001498233.5), dbSNP rs1276367363, ClinGen allele CA392234785.